The following is an entry in ClinVar:

ClinVar aggregate classification (germline): Uncertain significance. Review status: criteria provided, single submitter (1 of 4 stars). 2 submissions from 2 submitters: Uncertain significance (1). 1 of the submissions does not count toward it. Last evaluated 2024-01-19.

Conditions:
RELN-related disorder. Also called: RELN-related condition.
Familial temporal lobe epilepsy 7. Identifiers: Orphanet 101046, MedGen C4225327, MONDO:0014639, OMIM 616436.
Norman-Roberts syndrome (LIS2). Also called: Lissencephaly 2 (Norman-Roberts type). Identifiers: Orphanet 89844, MedGen C0796089, MONDO:0009760, OMIM 257320.

Allele frequency attached by ClinVar (database versions not stated): gnomAD exomes below 0.00001; TOPMed 0.00001.
gnomAD v4.1: 1 of 1,613,764 alleles (0.000062%); highest among the groups gnomAD compares: Non-Finnish European, 0.000085%; no homozygotes.

Submissions (2):

Labcorp Genetics (formerly Invitae), Labcorp
Classification: Uncertain significance for Familial temporal lobe epilepsy 7; Norman-Roberts syndrome. Last evaluated: 2024-01-19. Review status: criteria provided, single submitter. Criteria: Invitae Variant Classification Sherloc (09022015). Collection method: clinical testing. Allele origin: germline.
Comment: This sequence change replaces isoleucine, which is neutral and non-polar, with methionine, which is neutral and non-polar, at codon 1906 of the RELN protein (p.Ile1906Met). This variant is not present in population databases (gnomAD no frequency). This variant has not been reported in the literature in individuals affected with RELN-related conditions. ClinVar contains an entry for this variant (Variation ID: 1430272). Advanced modeling of protein sequence and biophysical properties (such as structural, functional, and spatial information, amino acid conservation, physicochemical variation, residue mobility, and thermodynamic stability) performed at Invitae indicates that this missense variant is not expected to disrupt RELN protein function with a negative predictive value of 80%. In summary, the available evidence is currently insufficient to determine the role of this variant in disease. Therefore, it has been classified as a Variant of Uncertain Significance.

PreventionGenetics, part of Exact Sciences
Classification: Uncertain significance for RELN-related condition. Last evaluated: 2023-10-30. Review status: no assertion criteria provided. Collection method: clinical testing. Allele origin: germline. Not counted in ClinVar's aggregate classification.
Comment: The RELN c.5718A>G variant is predicted to result in the amino acid substitution p.Ile1906Met. To our knowledge, this variant has not been reported in the literature or in a large population database, indicating this variant is rare. At this time, the clinical significance of this variant is uncertain due to the absence of conclusive functional and genetic evidence.

NM_005045.4(RELN):c.5718A>G (p.Ile1906Met)

Gene: RELN (reelin; minus strand). Cytogenetic location: 7q22.1.
Variant type: single nucleotide variant.
Coding change: c.5718A>G on transcript NM_005045.4 (MANE Select); coding-DNA position 5718, A replaced by G.
Protein change: p.Ile1906Met; replaces isoleucine 1906 with methionine.
Molecular consequence: missense variant.
Genome position (GRCh38, 1-based): chr7:103,557,056, T>C on the plus strand (A>G on the coding strand, the complement: RELN is on the minus strand). VCF-style: chr7-103557056-T-C. GRCh37 (hg19) VCF-style: chr7-103197503-T-C.
Other names: c.5718A>G, p.Ile1906Met (NM_173054.3); c.5718A>G (NM_005045.3); short protein forms I1906M.
Identifiers: ClinVar variation 1430272 (VCV001430272.7), dbSNP rs1830539198, ClinGen allele CA368741515.